The following is an entry in ClinVar:

ClinVar aggregate classification (germline): Likely pathogenic (1 of 4 stars; one submission).

Submission:

Athena Diagnostics
Classification: Likely pathogenic. Last evaluated: 2018-09-30. Review status: criteria provided, single submitter. Criteria: Athena Diagnostics Criteria. Collection method: clinical testing. Allele origin: germline.
Comment: The variant creates a premature nonsense codon, and is therefore predicted to significantly disrupt the protein structure. Not found in the total gnomAD dataset, and the data is high quality (0/276890 chr).

Literature cited by the submitters: PubMed 25662776; PubMed 29146050.

NM_002087.4(GRN):c.745C>T (p.Gln249Ter)

Genes: GRN (granulin precursor; plus strand), LOC125177489 (Sharpr-MPRA regulatory region 15390; plus strand). Cytogenetic location: 17q21.31.
Variant type: single nucleotide variant.
Coding change: c.745C>T on transcript NM_002087.4 (MANE Select); coding-DNA position 745, C replaced by T.
Protein change: p.Gln249Ter; replaces glutamine 249 with a stop codon.
Molecular consequence: nonsense.
Genome position (GRCh38, 1-based): chr17:44,351,073, C>T. VCF-style: chr17-44351073-C-T. GRCh37 (hg19) VCF-style: chr17-42428441-C-T.
Other names: short protein forms Q249*.
Identifiers: ClinVar variation 805123 (VCV000805123.1), dbSNP rs1598364358, ClinGen allele CA399764607.